The following is an entry in ClinVar:

NM_018713.3(SLC30A10):c.680T>G (p.Met227Arg)

Gene: SLC30A10 (solute carrier family 30 member 10; minus strand). Cytogenetic location: 1q41.
Variant type: single nucleotide variant.
Coding change: c.680T>G on transcript NM_018713.3 (MANE Select); coding-DNA position 680, T replaced by G.
Protein change: p.Met227Arg; replaces methionine 227 with arginine.
Molecular consequence: missense variant. On other transcripts: non-coding transcript variant (2).
Genome position (GRCh38, 1-based): chr1:219,927,066, A>C on the plus strand (T>G on the coding strand, the complement: SLC30A10 is on the minus strand). VCF-style: chr1-219927066-A-C. GRCh37 (hg19) VCF-style: chr1-220100408-A-C.
Other names: c.491T>G, p.Met164Arg (NM_001376929.1); c.5T>G, p.Met2Arg (NM_001416004.1, NM_001416005.1); short protein forms M227R, M2R, M164R.
Identifiers: ClinVar variation 1899002 (VCV001899002.3), dbSNP rs778962396, ClinGen allele CA37949359.

ClinVar aggregate classification (germline): Uncertain significance (1 of 4 stars; one submission).

Allele frequency attached by ClinVar (database versions not stated): TOPMed below 0.00001.

Submission:

Labcorp Genetics (formerly Invitae), Labcorp
Classification: Uncertain significance. Last evaluated: 2024-03-08. Review status: criteria provided, single submitter. Criteria: Invitae Variant Classification Sherloc (09022015). Collection method: clinical testing. Allele origin: germline.
Comment: This sequence change replaces methionine, which is neutral and non-polar, with arginine, which is basic and polar, at codon 227 of the SLC30A10 protein (p.Met227Arg). This variant is not present in population databases (gnomAD no frequency). This variant has not been reported in the literature in individuals affected with SLC30A10-related conditions. ClinVar contains an entry for this variant (Variation ID: 1899002). Advanced modeling of protein sequence and biophysical properties (such as structural, functional, and spatial information, amino acid conservation, physicochemical variation, residue mobility, and thermodynamic stability) performed at Invitae indicates that this missense variant is not expected to disrupt SLC30A10 protein function with a negative predictive value of 80%. In summary, the available evidence is currently insufficient to determine the role of this variant in disease. Therefore, it has been classified as a Variant of Uncertain Significance.